The following is an entry in ClinVar:

ClinVar aggregate classification (germline): Pathogenic/Likely pathogenic. Review status: criteria provided, multiple submitters, no conflicts (2 of 4 stars). 3 submissions from 3 submitters: Pathogenic (1); Likely pathogenic (1). 1 of the submissions does not count toward it. Last evaluated 2022-12-08.

Conditions:
MPZ-related disorder. Also called: MPZ-related condition; MPZ-related disorders.
Charcot-Marie-Tooth disease. Also called: Charcot-Marie-Tooth Hereditary Neuropathy; Charcot-Marie-Tooth Neuropathy. Identifiers: Orphanet 166, MedGen C0007959, MONDO:0015626.
Charcot-Marie-Tooth disease, type I (CMT1). Also called: Charcot-Marie-Tooth, Type 1; Charcot-Marie-Tooth disease type 1. Identifiers: Orphanet 65753, MedGen C0751036, MONDO:0019011.

Submissions (3):

Blueprint Genetics
Classification: Likely pathogenic for MPZ-related disorders. Last evaluated: 2022-12-08. Review status: criteria provided, single submitter. Criteria: ACMG Guidelines, 2015. Collection method: clinical testing. Allele origin: germline. Affected: yes. Observed: 1 variant allele.

Labcorp Genetics (formerly Invitae), Labcorp
Classification: Pathogenic for Charcot-Marie-Tooth disease, type I. Last evaluated: 2022-10-30. Review status: criteria provided, single submitter. Criteria: Invitae Variant Classification Sherloc (09022015). Collection method: clinical testing. Allele origin: germline.
Comment: For these reasons, this variant has been classified as Pathogenic. This variant disrupts the p.Tyr82 amino acid residue in MPZ. Other variant(s) that disrupt this residue have been determined to be pathogenic (PMID: 16543539). This suggests that this residue is clinically significant, and that variants that disrupt this residue are likely to be disease-causing. Algorithms developed to predict the effect of missense changes on protein structure and function (SIFT, PolyPhen-2, Align-GVGD) all suggest that this variant is likely to be disruptive. ClinVar contains an entry for this variant (Variation ID: 637783). This missense change has been observed in individual(s) with Charcot-Marie-Tooth disease (PMID: 25429913). In at least one individual the variant was observed to be de novo. This variant is not present in population databases (gnomAD no frequency). This sequence change replaces tyrosine, which is neutral and polar, with serine, which is neutral and polar, at codon 82 of the MPZ protein (p.Tyr82Ser).

Inherited Neuropathy Consortium
Classification: Uncertain significance for Charcot-Marie-Tooth disease. Review status: no assertion criteria provided. Collection method: literature only. Allele origin: germline. Affected: yes. Not counted in ClinVar's aggregate classification.

Literature cited by the submitters: PubMed 16543539 (cited by Labcorp Genetics (formerly Invitae), Labcorp); PubMed 25429913 (cited by Labcorp Genetics (formerly Invitae), Labcorp and Inherited Neuropathy Consortium).

NM_000530.8(MPZ):c.245A>C (p.Tyr82Ser)

Gene: MPZ (myelin protein zero; minus strand). Cytogenetic location: 1q23.3.
Variant type: single nucleotide variant.
Coding change: c.245A>C on transcript NM_000530.8 (MANE Select); coding-DNA position 245, A replaced by C.
Protein change: p.Tyr82Ser; replaces tyrosine 82 with serine.
Molecular consequence: missense variant.
Genome position (GRCh38, 1-based): chr1:161,306,911, T>G on the plus strand (A>C on the coding strand, the complement: MPZ is on the minus strand). VCF-style: chr1-161306911-T-G. GRCh37 (hg19) VCF-style: chr1-161276701-T-G.
Other names: c.245A>C, p.Tyr82Ser (NM_001315491.2); c.245A>C (LRG_256t1); short protein forms Y82S.
Identifiers: ClinVar variation 637783 (VCV000637783.5), dbSNP rs1553259707, ClinGen allele CA343350020.